The following is an entry in ClinVar:

NM_144997.7(FLCN):c.281G>A (p.Gly94Glu)

Gene: FLCN (folliculin; minus strand). Cytogenetic location: 17p11.2.
Variant type: single nucleotide variant.
Coding change: c.281G>A on transcript NM_144997.7 (MANE Select); coding-DNA position 281, G replaced by A.
Protein change: p.Gly94Glu; replaces glycine 94 with glutamic acid.
Molecular consequence: missense variant.
Genome position (GRCh38, 1-based): chr17:17,226,291, C>T on the plus strand (G>A on the coding strand, the complement: FLCN is on the minus strand). VCF-style: chr17-17226291-C-T. GRCh37 (hg19) VCF-style: chr17-17129605-C-T.
Other names: c.281G>A, p.Gly94Glu (NM_001353229.2, NM_001353230.2, NM_001353231.2 and 1 more transcripts); short protein forms G94E.
Identifiers: ClinVar variation 1485915 (VCV001485915.9), dbSNP rs1421444831, ClinGen allele CA398534939.

ClinVar aggregate classification (germline): Uncertain significance. Review status: criteria provided, multiple submitters, no conflicts (2 of 4 stars). 4 submissions from 4 submitters: Uncertain significance (4). Last evaluated 2026-06-06.

Conditions:
Hereditary cancer-predisposing syndrome. Also called: Tumor predisposition; Neoplastic Syndromes, Hereditary; Hereditary Cancer Syndrome; Hereditary neoplastic syndrome. Identifiers: Orphanet 140162, MedGen C0027672, MeSH D009386, MONDO:0015356.
Birt-Hogg-Dube syndrome. Also called: Birt Hogg Dubé syndrome. Identifiers: Orphanet 122, MedGen C0346010, MONDO:0800444.

Allele frequency attached by ClinVar (database versions not stated): TOPMed below 0.00001; gnomAD 0.00001.
gnomAD v4.1: 1 of 1,614,044 alleles (0.000062%); highest among the groups gnomAD compares: Non-Finnish European, 0.000085%; no homozygotes.

Submissions (4):

Ambry Genetics
Classification: Uncertain significance for Hereditary cancer-predisposing syndrome. Last evaluated: 2026-06-06. Review status: criteria provided, single submitter. Criteria: Ambry Variant Classification Scheme 2023. Collection method: clinical testing. Allele origin: germline.
Comment: The p.G94E variant (also known as c.281G>A), located in coding exon 2 of the FLCN gene, results from a G to A substitution at nucleotide position 281. The glycine at codon 94 is replaced by glutamic acid, an amino acid with similar properties. This amino acid position is conserved. In addition, this alteration is predicted to be deleterious by in silico analysis. Based on the available evidence, the clinical significance of this variant remains unclear.

Labcorp Genetics (formerly Invitae), Labcorp
Classification: Uncertain significance for Birt-Hogg-Dube syndrome. Last evaluated: 2024-09-18. Review status: criteria provided, single submitter. Criteria: Invitae Variant Classification Sherloc (09022015). Collection method: clinical testing. Allele origin: germline.
Comment: This sequence change replaces glycine, which is neutral and non-polar, with glutamic acid, which is acidic and polar, at codon 94 of the FLCN protein (p.Gly94Glu). This variant is not present in population databases (gnomAD no frequency). This variant has not been reported in the literature in individuals affected with FLCN-related conditions. ClinVar contains an entry for this variant (Variation ID: 1485915). Invitae Evidence Modeling of protein sequence and biophysical properties (such as structural, functional, and spatial information, amino acid conservation, physicochemical variation, residue mobility, and thermodynamic stability) has been performed for this missense variant. However, the output from this modeling did not meet the statistical confidence thresholds required to predict the impact of this variant on FLCN protein function. In summary, the available evidence is currently insufficient to determine the role of this variant in disease. Therefore, it has been classified as a Variant of Uncertain Significance.

Baylor Genetics
Classification: Uncertain significance for Birt-Hogg-Dube syndrome 1. Last evaluated: 2023-09-05. Review status: criteria provided, single submitter. Criteria: ACMG Guidelines, 2015. Collection method: clinical testing. Allele origin: unknown.

Sema4
Classification: Uncertain significance for Hereditary cancer-predisposing syndrome. Last evaluated: 2022-01-09. Review status: criteria provided, single submitter. Criteria: Sema4 Curation Guidelines. Collection method: curation. Allele origin: germline.
Comment: The FLCN c.281G>A (p.G94E) variant has not been reported in the literature to our knowledge. It was not observed in the Genome Aggregation Database (PMID: 32461654). This variant has been reported in ClinVar. Functional studies have not been performed, and in silico predictions of the variant's effect on protein function are inconclusive. The evidence is insufficient to meet ACMG/AMP criteria for classifying the variant as benign or pathogenic. Thus, the clinical significance of this variant is currently uncertain.